The following is an entry in ClinVar:

NM_001044.5(SLC6A3):c.935T>C (p.Ile312Thr)

Gene: SLC6A3 (solute carrier family 6 member 3). Cytogenetic location: 5p15.33.
Variant type: single nucleotide variant.
Coding change: c.935T>C on transcript NM_001044.5 (MANE Select); coding-DNA position 935, T replaced by C.
Protein change: p.Ile312Thr; replaces isoleucine 312 with threonine.
Molecular consequence: missense variant.
Genome position (GRCh38, 1-based): chr5:1,416,194, A>G on the plus strand (T>C on the coding strand, the complement: SLC6A3 is on the minus strand). VCF-style: chr5-1416194-A-G. GRCh37 (hg19) VCF-style: chr5-1416309-A-G.
Other names: short protein forms I312T.
Identifiers: ClinVar variation 1405155 (VCV001405155.6), dbSNP rs1756287215, ClinGen allele CA359084256.

ClinVar aggregate classification (germline): Uncertain significance (1 of 4 stars; one submission).

Conditions:
Parkinsonism-dystonia, infantile. Identifiers: Orphanet 238455, MedGen C2751067, MONDO:0013150.

Allele frequency attached by ClinVar (database versions not stated): TOPMed below 0.00001; gnomAD 0.00001; gnomAD exomes 0.00001.
gnomAD v4.1: 8 of 1,612,982 alleles (0.0005%); highest among the groups gnomAD compares: Middle Eastern, 0.016%; no homozygotes.

Submission:

Labcorp Genetics (formerly Invitae), Labcorp
Classification: Uncertain significance for Parkinsonism-dystonia, infantile. Last evaluated: 2025-10-06. Review status: criteria provided, single submitter. Criteria: Invitae Variant Classification Sherloc (09022015). Collection method: clinical testing. Allele origin: germline.
Comment: This sequence change replaces isoleucine, which is neutral and non-polar, with threonine, which is neutral and polar, at codon 312 of the SLC6A3 protein (p.Ile312Thr). This variant is not present in population databases (gnomAD no frequency). This variant has not been reported in the literature in individuals affected with SLC6A3-related conditions. ClinVar contains an entry for this variant (Variation ID: 1405155). Invitae Evidence Modeling of protein sequence and biophysical properties (such as structural, functional, and spatial information, amino acid conservation, physicochemical variation, residue mobility, and thermodynamic stability) indicates that this missense variant is not expected to disrupt SLC6A3 protein function with a negative predictive value of 80%. In summary, the available evidence is currently insufficient to determine the role of this variant in disease. Therefore, it has been classified as a Variant of Uncertain Significance.